The following is an entry in ClinVar:

NC_000002.11:g.(?_130908980)_(130939176_?)dup

Gene: SMPD4 (sphingomyelin phosphodiesterase 4; minus strand). Cytogenetic location: 2q21.1.
Variant type: Duplication.
Identifiers: ClinVar variation 4536113 (VCV004536113.1).

ClinVar aggregate classification (germline): Uncertain significance (1 of 4 stars; one submission).

Submission:

Women's Health and Genetics/Laboratory Corporation of America, LabCorp
Classification: Uncertain significance. Last evaluated: 2025-09-19. Review status: criteria provided, single submitter. Criteria: LabCorp Variant Classification Summary - May 2015. Collection method: clinical testing. Allele origin: germline.
Comment: Variant summary: The variant involves the duplication of exons 1-20 in the SMPD4 gene. This duplication includes the entire coding sequence of the gene. As exact breakpoints are unknown, it may extend beyond the annotated region of the gene, to include other flanking genes. A presumed nomenclature of c.(?_-119)_(*1148_?)dup has been designated for the purposes of this classification. The variant was absent in 21694 control chromosomes. The available data on variant occurrences in the general population are insufficient to allow any conclusion about variant significance. To our knowledge, no occurrence of c.(?_-119)_(*1148_?)dup in individuals affected with SMPD4-related conditions and no experimental evidence demonstrating its impact on protein function have been reported. No submitters have cited clinical-significance assessments for this variant to ClinVar. Based on the evidence outlined above, the variant was classified as uncertain significance.